The following is an entry in ClinVar:

NM_001001433.3(STX16):c.*2627G>C

Genes: STX16 (syntaxin 16; plus strand), STX16-NPEPL1 (STX16-NPEPL1 readthrough (NMD candidate); plus strand). Cytogenetic location: 20q13.32.
Variant type: single nucleotide variant.
Coding change: c.*2627G>C on transcript NM_001001433.3 (MANE Select); 2627 bases downstream of the stop codon, G replaced by C.
Molecular consequence: 3 prime UTR variant. On other transcripts: non-coding transcript variant (3).
Genome position (GRCh38, 1-based): chr20:58,678,918, G>C. VCF-style: chr20-58678918-G-C. GRCh37 (hg19) VCF-style: chr20-57253974-G-C.
Other names: c.*2627G>C (NM_001134772.3, NM_001134773.3, NM_001204868.2 and 1 more transcripts).
Identifiers: ClinVar variation 339107 (VCV000339107.5), dbSNP rs76626612, ClinGen allele CA10650092.

ClinVar aggregate classification (germline): Benign (1 of 4 stars; one submission).

Conditions:
Pseudohypoparathyroidism type 1B (PHP1B). Also called: PHP IB; Pseudohypoparathyroidism Ib (PHP-Ib); Pseudohypoparathyroidism Type IB. Identifiers: Orphanet 94089, MedGen C1864100, MONDO:0011301, OMIM 603233.

Allele frequency attached by ClinVar (database versions not stated): TOPMed 0.00093; 1000 Genomes Project 0.00180; 1000 Genomes Project 30x 0.00219.

Submission:

Illumina Laboratory Services, Illumina
Classification: Benign for Pseudohypoparathyroidism type 1B. Last evaluated: 2018-01-13. Review status: criteria provided, single submitter. Criteria: ICSL Variant Classification Criteria 13 December 2019. Collection method: clinical testing. Allele origin: germline.
Comment: This variant was observed in the ICSL laboratory as part of a predisposition screen in an ostensibly healthy population. It had not been previously curated by ICSL or reported in the Human Gene Mutation Database (HGMD: prior to June 1st, 2018), and was therefore a candidate for classification through an automated scoring system. Utilizing variant allele frequency, disease prevalence and penetrance estimates, and inheritance mode, an automated score was calculated to assess if this variant is too frequent to cause the disease. Based on the score and internal cut-off values, a variant classified as benign is not then subjected to further curation. The score for this variant resulted in a classification of benign for this disease.